The following is an entry in ClinVar:

ClinVar aggregate classification (germline): Uncertain significance (1 of 4 stars; one submission).

Conditions:
Fanconi anemia (FA). Also called: Fanconi's anemia. Identifiers: Orphanet 84, MedGen C0015625, MeSH D005199, MONDO:0019391.

Submission:

Labcorp Genetics (formerly Invitae), Labcorp
Classification: Uncertain significance for Fanconi anemia. Last evaluated: 2026-01-08. Review status: criteria provided, single submitter. Criteria: Invitae Variant Classification Sherloc (09022015). Collection method: clinical testing. Allele origin: germline.
Comment: This sequence change replaces glutamic acid, which is acidic and polar, with glycine, which is neutral and non-polar, at codon 887 of the FANCD2 protein (p.Glu887Gly). This variant is present in population databases (no rsID available, gnomAD 0.0009%). This variant has not been reported in the literature in individuals affected with FANCD2-related conditions. Invitae Evidence Modeling of protein sequence and biophysical properties (such as structural, functional, and spatial information, amino acid conservation, physicochemical variation, residue mobility, and thermodynamic stability) indicates that this missense variant is not expected to disrupt FANCD2 protein function with a negative predictive value of 80%. Algorithms developed to predict the effect of sequence changes on RNA splicing suggest that this variant may disrupt the consensus splice site. In summary, the available evidence is currently insufficient to determine the role of this variant in disease. Therefore, it has been classified as a Variant of Uncertain Significance.

NM_001018115.3(FANCD2):c.2660A>G (p.Glu887Gly)

Genes: FANCD2 (FA complementation group D2; plus strand), LOC107303338 (3p25 FANCD2 Alu-mediated recombination region; plus strand). Cytogenetic location: 3p25.3.
Variant type: single nucleotide variant.
Coding change: c.2660A>G on transcript NM_001018115.3 (MANE Select); coding-DNA position 2660, A replaced by G.
Protein change: p.Glu887Gly; replaces glutamic acid 887 with glycine.
Molecular consequence: missense variant.
Genome position (GRCh38, 1-based): chr3:10,073,307, A>G. VCF-style: chr3-10073307-A-G. GRCh37 (hg19) VCF-style: chr3-10114991-A-G.
Other names: c.2660A>G, p.Glu887Gly (NM_001319984.2, NM_001374254.1, NM_033084.6); c.2549A>G, p.Glu850Gly (NM_001374253.1); short protein forms E887G, E850G.
Identifiers: ClinVar variation 4772752 (VCV004772752.1).
Genomic context (GRCh38, chr3:10,073,307, plus strand): 5'-TAAAAGAAAGGAAACAAAAAACAGATGGCAGCAAGACATCCTCCTCTGACACACTTTCAG[A>G]AGAGAAAAATTCAGAATGTGACCCTACGCCATCTCATAGAGGCCAGCTAAACAAGGTATT-3'
Protein context (NP_001018125.1, residues 877-897): SKTSSSDTLS[Glu887Gly]EKNSECDPTP